The following is an entry in ClinVar:

NM_001024613.4(FEZF1):c.590A>G (p.Tyr197Cys)

Genes: FEZF1 (FEZ family zinc finger 1; minus strand), FEZF1-AS1 (FEZF1 antisense RNA 1; plus strand). Cytogenetic location: 7q31.32.
Variant type: single nucleotide variant.
Coding change: c.590A>G on transcript NM_001024613.4 (MANE Select); coding-DNA position 590, A replaced by G.
Protein change: p.Tyr197Cys; replaces tyrosine 197 with cysteine.
Molecular consequence: missense variant. On other transcripts: non-coding transcript variant (1).
Genome position (GRCh38, 1-based): chr7:122,303,848, T>C on the plus strand (A>G on the coding strand, the complement: FEZF1 is on the minus strand). VCF-style: chr7-122303848-T-C. GRCh37 (hg19) VCF-style: chr7-121943902-T-C.
Other names: c.440A>G, p.Tyr147Cys (NM_001160264.3); short protein forms Y197C, Y147C.
Identifiers: ClinVar variation 1940609 (VCV001940609.5), dbSNP rs938528614, ClinGen allele CA165947820.

ClinVar aggregate classification (germline): Uncertain significance (1 of 4 stars; one submission).

Allele frequency attached by ClinVar (database versions not stated): gnomAD 0.00001; gnomAD exomes 0.00001; TOPMed below 0.00001.
gnomAD v4.1: 13 of 1,614,082 alleles (0.00081%); highest among the groups gnomAD compares: Non-Finnish European, 0.0011%; no homozygotes.

Submission:

Labcorp Genetics (formerly Invitae), Labcorp
Classification: Uncertain significance. Last evaluated: 2021-12-25. Review status: criteria provided, single submitter. Criteria: Invitae Variant Classification Sherloc (09022015). Collection method: clinical testing. Allele origin: germline.
Comment: This sequence change replaces tyrosine, which is neutral and polar, with cysteine, which is neutral and slightly polar, at codon 197 of the FEZF1 protein (p.Tyr197Cys). This variant is not present in population databases (gnomAD no frequency). This variant has not been reported in the literature in individuals affected with FEZF1-related conditions. Algorithms developed to predict the effect of missense changes on protein structure and function are either unavailable or do not agree on the potential impact of this missense change (SIFT: "Tolerated"; PolyPhen-2: "Possibly Damaging"; Align-GVGD: "Class C25"). In summary, the available evidence is currently insufficient to determine the role of this variant in disease. Therefore, it has been classified as a Variant of Uncertain Significance.